The following is an entry in ClinVar:

NM_001040108.2(MLH3):c.3509T>C (p.Val1170Ala)

Gene: MLH3 (mutL homolog 3; minus strand). Cytogenetic location: 14q24.3.
Variant type: single nucleotide variant.
Coding change: c.3509T>C on transcript NM_001040108.2 (MANE Select); coding-DNA position 3509, T replaced by C.
Protein change: p.Val1170Ala; replaces valine 1170 with alanine.
Molecular consequence: missense variant.
Genome position (GRCh38, 1-based): chr14:75,039,972, A>G on the plus strand (T>C on the coding strand, the complement: MLH3 is on the minus strand). VCF-style: chr14-75039972-A-G. GRCh37 (hg19) VCF-style: chr14-75506675-A-G.
Other names: c.3509T>C, p.Val1170Ala (NM_014381.3); short protein forms V1170A.
Identifiers: ClinVar variation 3873517 (VCV003873517.1).
Genomic context (GRCh38, chr14:75,039,972, plus strand): 5'-TGCATTGAATGAATCATTCCTTTGGTGAAACGATAGGGATACAAGATGTTGTGAATTTTA[A>G]CTGCTAAGCTCTCAGCCTGGCCACTGCTTACATCAACAGCAACCTAGAAAGACTCAGCAA-3'
Protein context (NP_001035197.1, residues 1160-1180): VSSGQAESLA[Val1170Ala]KIHNILYPYR

ClinVar aggregate classification (germline): Uncertain significance (1 of 4 stars; one submission).

Submission:

Ambry Genetics
Classification: Uncertain significance. Last evaluated: 2025-02-06. Review status: criteria provided, single submitter. Criteria: Ambry Variant Classification Scheme 2023. Collection method: clinical testing. Allele origin: germline.
Comment: The p.V1170A variant (also known as c.3509T>C), located in coding exon 4 of the MLH3 gene, results from a T to C substitution at nucleotide position 3509. The valine at codon 1170 is replaced by alanine, an amino acid with similar properties. This amino acid position is conserved. In addition, this alteration is predicted to be deleterious by in silico analysis. Based on the available evidence, the clinical significance of this variant remains unclear.